The following is an entry in ClinVar:

NM_001164665.2(KIAA1549):c.3503C>A (p.Ser1168Tyr)

Gene: KIAA1549 (KIAA1549; minus strand). Cytogenetic location: 7q34.
Variant type: single nucleotide variant.
Coding change: c.3503C>A on transcript NM_001164665.2 (MANE Select); coding-DNA position 3503, C replaced by A.
Protein change: p.Ser1168Tyr; replaces serine 1168 with tyrosine.
Molecular consequence: missense variant.
Genome position (GRCh38, 1-based): chr7:138,905,039, G>T on the plus strand (C>A on the coding strand, the complement: KIAA1549 is on the minus strand). VCF-style: chr7-138905039-G-T. GRCh37 (hg19) VCF-style: chr7-138589785-G-T.
Other names: c.3503C>A, p.Ser1168Tyr (NM_020910.3); short protein forms S1168Y.
Identifiers: ClinVar variation 1716588 (VCV001716588.5), dbSNP rs2485536624, ClinGen allele CA369383382.

ClinVar aggregate classification (germline): Uncertain significance (1 of 4 stars; one submission).

gnomAD v4.1: 2 of 1,575,436 alleles (0.00013%); no homozygotes.

Submission:

Labcorp Genetics (formerly Invitae), Labcorp
Classification: Uncertain significance. Last evaluated: 2025-10-22. Review status: criteria provided, single submitter. Criteria: Invitae Variant Classification Sherloc (09022015). Collection method: clinical testing. Allele origin: germline.
Comment: This sequence change replaces serine, which is neutral and polar, with tyrosine, which is neutral and polar, at codon 1168 of the KIAA1549 protein (p.Ser1168Tyr). This variant is not present in population databases (gnomAD no frequency). This variant has not been reported in the literature in individuals affected with KIAA1549-related conditions. ClinVar contains an entry for this variant (Variation ID: 1716588). An algorithm developed to predict the effect of missense changes on protein structure and function (PolyPhen-2) suggests that this variant is likely to be disruptive. In summary, the available evidence is currently insufficient to determine the role of this variant in disease. Therefore, it has been classified as a Variant of Uncertain Significance.